The following is an entry in ClinVar:

ClinVar aggregate classification (germline): Uncertain significance. Review status: criteria provided, multiple submitters, no conflicts (2 of 4 stars). 2 submissions from 2 submitters: Uncertain significance (2). Last evaluated 2024-10-19.

Allele frequency attached by ClinVar (database versions not stated): ESP Exome Variant Server 0.00008; ExAC 0.00014; gnomAD exomes 0.00020; TOPMed 0.00043; gnomAD 0.00048 and 0.00051.
gnomAD v4.1: 345 of 1,614,054 alleles (0.021%); highest among the groups gnomAD compares: Admixed American, 0.11%; no homozygotes.

Submissions (2):

Ambry Genetics
Classification: Uncertain significance. Last evaluated: 2024-10-19. Review status: criteria provided, single submitter. Criteria: Ambry Variant Classification Scheme 2023. Collection method: clinical testing. Allele origin: germline.

Labcorp Genetics (formerly Invitae), Labcorp
Classification: Uncertain significance. Last evaluated: 2022-08-16. Review status: criteria provided, single submitter. Criteria: Invitae Variant Classification Sherloc (09022015). Collection method: clinical testing. Allele origin: germline.
Comment: This variant is present in population databases (rs144016582, gnomAD 0.07%), and has an allele count higher than expected for a pathogenic variant. This variant has not been reported in the literature in individuals affected with PLTP-related conditions. ClinVar contains an entry for this variant (Variation ID: 1432062). Algorithms developed to predict the effect of missense changes on protein structure and function (SIFT, PolyPhen-2, Align-GVGD) all suggest that this variant is likely to be tolerated. In summary, the available evidence is currently insufficient to determine the role of this variant in disease. Therefore, it has been classified as a Variant of Uncertain Significance. This sequence change replaces alanine, which is neutral and non-polar, with threonine, which is neutral and polar, at codon 155 of the PLTP protein (p.Ala155Thr).

NM_006227.4(PLTP):c.463G>A (p.Ala155Thr)

Gene: PLTP (phospholipid transfer protein; minus strand). Cytogenetic location: 20q13.12.
Variant type: single nucleotide variant.
Coding change: c.463G>A on transcript NM_006227.4 (MANE Select); coding-DNA position 463, G replaced by A.
Protein change: p.Ala155Thr; replaces alanine 155 with threonine.
Molecular consequence: missense variant. On other transcripts: intron variant (2).
Genome position (GRCh38, 1-based): chr20:45,909,538, C>T on the plus strand (G>A on the coding strand, the complement: PLTP is on the minus strand). VCF-style: chr20-45909538-C-T. GRCh37 (hg19) VCF-style: chr20-44538177-C-T.
Other names: c.199G>A, p.Ala67Thr (NM_001242921.1); c.200+1614G>A (NM_001242920.2); c.329+404G>A (NM_182676.3); c.463G>A (NM_006227.3); short protein forms A67T, A155T.
Identifiers: ClinVar variation 1432062 (VCV001432062.8), dbSNP rs144016582, ClinGen allele CA9883873.